The following is an entry in ClinVar:

ClinVar aggregate classification (germline): Uncertain significance (1 of 4 stars; one submission).

Conditions:
Long QT syndrome (LQTS). Identifiers: MedGen C0023976, MeSH D008133, MONDO:0002442. Disease mechanism: loss of function. Inheritance: Various modes of inheritance.

Allele frequency attached by ClinVar (database versions not stated): gnomAD 0.00001; gnomAD exomes 0.00001 and 0.00004; TOPMed 0.00002; ExAC 0.00005.
gnomAD v4.1: 9 of 1,613,568 alleles (0.00056%); highest among the groups gnomAD compares: East Asian, 0.018%; no homozygotes.

Submission:

Labcorp Genetics (formerly Invitae), Labcorp
Classification: Uncertain significance for Long QT syndrome. Last evaluated: 2022-08-16. Review status: criteria provided, single submitter. Criteria: Invitae Variant Classification Sherloc (09022015). Collection method: clinical testing. Allele origin: germline.
Comment: This sequence change falls in intron 25 of the CACNA1C gene. It does not directly change the encoded amino acid sequence of the CACNA1C protein. It affects a nucleotide within the consensus splice site. This variant is present in population databases (rs750874261, gnomAD 0.05%). This variant has not been reported in the literature in individuals affected with CACNA1C-related conditions. ClinVar contains an entry for this variant (Variation ID: 568276). Variants that disrupt the consensus splice site are a relatively common cause of aberrant splicing (PMID: 17576681, 9536098). Algorithms developed to predict the effect of sequence changes on RNA splicing suggest that this variant is not likely to affect RNA splicing. In summary, the available evidence is currently insufficient to determine the role of this variant in disease. Therefore, it has been classified as a Variant of Uncertain Significance.

Literature cited by the submitters: PubMed 17576681; PubMed 9536098.

NM_000719.7(CACNA1C):c.3210-3C>T

Gene: CACNA1C (calcium voltage-gated channel subunit alpha1 C; plus strand). Cytogenetic location: 12p13.33.
Variant type: single nucleotide variant.
Coding change: c.3210-3C>T on transcript NM_000719.7 (MANE Select); 3 bases into the intron before coding-DNA position 3210, C replaced by T.
Molecular consequence: intron variant.
Genome position (GRCh38, 1-based): chr12:2,606,981, C>T. VCF-style: chr12-2606981-C-T. GRCh37 (hg19) VCF-style: chr12-2716147-C-T.
Other names: c.3210-3C>T (NM_001167624.3, NM_001167623.2, NM_001167625.2 and 15 more transcripts); c.3270-3C>T (NM_199460.4, NM_001129827.2, NM_001129832.2); c.3201-3C>T (NM_001129844.2).
Identifiers: ClinVar variation 568276 (VCV000568276.8), dbSNP rs750874261, ClinGen allele CA6389199.